The following is an entry in ClinVar:

ClinVar aggregate classification (germline): Uncertain significance (0 of 4 stars; one submission).

Conditions:
RPS24-related disorder. Also called: RPS24-related condition.

gnomAD v4.1: 22 of 1,495,754 alleles (0.0015%); highest among the groups gnomAD compares: Non-Finnish European, 0.0018%; no homozygotes.

Submission:

PreventionGenetics, part of Exact Sciences
Classification: Uncertain significance for RPS24-related condition. Last evaluated: 2024-05-15. Review status: no assertion criteria provided. Collection method: clinical testing. Allele origin: germline.
Comment: The RPS24 c.803T>C variant is predicted to result in the amino acid substitution p.Phe268Ser. To our knowledge, this variant has not been reported in the literature. This variant is reported in 0.0074% of alleles in individuals of European (Non-Finnish) descent in gnomAD. At this time, the clinical significance of this variant is uncertain due to the absence of conclusive functional and genetic evidence.

NM_001142285.2(RPS24):c.803T>C (p.Phe268Ser)

Gene: RPS24 (ribosomal protein S24; plus strand). Cytogenetic location: 10q22.3.
Variant type: single nucleotide variant.
Coding change: c.803T>C on transcript NM_001142285.2; coding-DNA position 803, T replaced by C.
Protein change: p.Phe268Ser; replaces phenylalanine 268 with serine.
Molecular consequence: missense variant.
Genome position (GRCh38, 1-based): chr10:78,054,943, T>C. VCF-style: chr10-78054943-T-C. GRCh37 (hg19) VCF-style: chr10-79814701-T-C.
Other names: short protein forms F268S.
Identifiers: ClinVar variation 3357456 (VCV003357456.1).